The following is an entry in ClinVar:

ClinVar aggregate classification (germline): Conflicting classifications of pathogenicity. Review status: criteria provided, conflicting classifications (1 of 4 stars). 4 submissions from 4 submitters: Uncertain significance (1); Benign (1); Likely benign (1). 1 of the submissions does not count toward it. Last evaluated 2022-06-01.

Conditions:
Inborn genetic diseases. Identifiers: MedGen C0950123, MeSH D030342.
Arthrogryposis, distal, type 1B. Identifiers: Orphanet 1146, MedGen C3280526, MONDO:0013698, OMIM 614335.
MYBPC1-related disorder. Also called: MYBPC1-related condition.

Allele frequency attached by ClinVar (database versions not stated): 1000 Genomes Project 0.00020; 1000 Genomes Project 30x 0.00031; ESP Exome Variant Server 0.00031; gnomAD exomes 0.00036 and 0.00050; ExAC 0.00043; TOPMed 0.00043; gnomAD 0.00046.
gnomAD v4.1: 610 of 1,614,062 alleles (0.038%); highest among the groups gnomAD compares: Middle Eastern, 0.05%; no homozygotes.

Submissions (4):

CeGaT Center for Human Genetics Tuebingen
Classification: Likely benign. Last evaluated: 2022-06-01. Review status: criteria provided, single submitter. Criteria: CeGaT Center For Human Genetics Tuebingen Variant Classification Criteria Version 2. Collection method: clinical testing. Allele origin: germline. Affected: yes. Observed: 2 variant alleles.
Comment: MYBPC1: BP4

Ambry Genetics
Classification: Uncertain significance for Inborn genetic diseases. Last evaluated: 2021-09-16. Review status: criteria provided, single submitter. Criteria: Ambry Variant Classification Scheme 2023. Collection method: clinical testing. Allele origin: germline.

Illumina Laboratory Services, Illumina
Classification: Benign for Arthrogryposis, distal, type 1B. Last evaluated: 2018-01-13. Review status: criteria provided, single submitter. Criteria: ICSL Variant Classification Criteria 13 December 2019. Collection method: clinical testing. Allele origin: germline.
Comment: This variant was observed in the ICSL laboratory as part of a predisposition screen in an ostensibly healthy population. It had not been previously curated by ICSL or reported in the Human Gene Mutation Database (HGMD: prior to June 1st, 2018), and was therefore a candidate for classification through an automated scoring system. Utilizing variant allele frequency, disease prevalence and penetrance estimates, and inheritance mode, an automated score was calculated to assess if this variant is too frequent to cause the disease. Based on the score and internal cut-off values, a variant classified as benign is not then subjected to further curation. The score for this variant resulted in a classification of benign for this disease.

PreventionGenetics, part of Exact Sciences
Classification: Likely benign for MYBPC1-related condition. Last evaluated: 2021-10-04. Review status: no assertion criteria provided. Collection method: clinical testing. Allele origin: germline. Not counted in ClinVar's aggregate classification.
Comment: This variant is classified as likely benign based on ACMG/AMP sequence variant interpretation guidelines (Richards et al. 2015 PMID: 25741868, with internal and published modifications).

NM_002465.4(MYBPC1):c.1457C>A (p.Pro486Gln)

Gene: MYBPC1 (myosin binding protein C1; plus strand). Cytogenetic location: 12q23.2.
Variant type: single nucleotide variant.
Coding change: c.1457C>A on transcript NM_002465.4 (MANE Select); coding-DNA position 1457, C replaced by A.
Protein change: p.Pro486Gln; replaces proline 486 with glutamine.
Molecular consequence: missense variant.
Genome position (GRCh38, 1-based): chr12:101,651,324, C>A. VCF-style: chr12-101651324-C-A. GRCh37 (hg19) VCF-style: chr12-102045102-C-A.
Other names: c.1382C>A, p.Pro461Gln (NM_001254718.3, NM_001254719.3, NM_206820.4 and 1 more transcripts); c.1346C>A, p.Pro449Gln (NM_001254720.3); c.1325C>A, p.Pro442Gln (NM_001254721.3, NM_001404676.1, NM_001404678.1); c.1304C>A, p.Pro435Gln (NM_001254722.3, NM_001404680.1); c.1343C>A, p.Pro448Gln (NM_001254723.3); c.1457C>A, p.Pro486Gln (NM_001404675.1, NM_206819.4); c.1247C>A, p.Pro416Gln (NM_001404677.1, NM_001404679.1, NM_001404681.1); c.1457C>A (NM_002465.2); short protein forms P486Q, P448Q, P461Q, P435Q, P442Q, P449Q, P416Q.
Identifiers: ClinVar variation 306732 (VCV000306732.45), dbSNP rs139605474, ClinGen allele CA6744800.